The following is an entry in ClinVar:

NM_005035.4(POLRMT):c.2201_2205del (p.Pro734fs)

Gene: POLRMT (RNA polymerase mitochondrial; minus strand). Cytogenetic location: 19p13.3.
Variant type: Deletion.
Coding change: c.2201_2205del on transcript NM_005035.4 (MANE Select); coding-DNA positions 2201 to 2205, 5 bases deleted (CGCCC; older notation c.2201_2205delCGCCC).
Protein change: p.Pro734fs; shifts the reading frame from proline 734.
Molecular consequence: frameshift variant. On other transcripts: non-coding transcript variant (1).
Genome position (GRCh38, 1-based): chr19:621,493-621,497, GGGCG deleted on the plus strand (CGCCC on the coding strand, the reverse complement: POLRMT is on the minus strand); deleting any 5 consecutive bases within chr19:621,493-621,501 gives the same sequence; the c. name uses the placement nearest the transcript's 3' end. VCF-style (leftmost placement, unchanged base first): chr19-621492-AGGGCG-A. GRCh37 (hg19) VCF-style: chr19-621492-AGGGCG-A.
Other names: c.2201_2205del, p.Pro734fs (NM_001407805.1, NM_001407808.1, NM_001407812.1 and 4 more transcripts); c.2192_2196del, p.Pro731fs (NM_001407806.1, NM_001407809.1); c.2189_2193del, p.Pro730fs (NM_001407807.1, NM_001407810.1); c.2159_2163del, p.Pro720fs (NM_001407811.1, NM_001407813.1); c.1976_1980del, p.Pro659fs (NM_001407830.1, NM_001407832.1); c.1877_1881del, p.Pro626fs (NM_001407831.1, NM_001407833.1, NM_001407835.1 and 1 more transcripts); c.1868_1872del, p.Pro623fs (NM_001407834.1); short protein forms P623fs, P626fs, P659fs, P720fs, P730fs, P731fs, P734fs.
Identifiers: ClinVar variation 4879669 (VCV004879669.1).

ClinVar aggregate classification (germline): Pathogenic (1 of 4 stars; one submission).

Conditions:
Combined oxidative phosphorylation deficiency 55 (COXPD55). Identifiers: MedGen C5676915, MONDO:0859228, OMIM 619743.

Submission:

Victorian Clinical Genetics Services, Murdoch Childrens Research Institute
Classification: Pathogenic for Combined oxidative phosphorylation deficiency 55. Last evaluated: 2026-06-30. Review status: criteria provided, single submitter. Criteria: ACMG Guidelines, 2015. Collection method: clinical testing. Allele origin: germline. Affected: yes.
Comment: This variant is classified as Pathogenic. Evidence in support of pathogenic classification: Variant is predicted to cause nonsense-mediated decay (NMD) and loss of protein (premature termination codon is located at least 54 nucleotides upstream of the final exon-exon junction); Variant is absent from gnomAD (v4); Other NMD-predicted variant(s) comparable to the one identified in this case have moderate previous evidence for pathogenicity. Two NMD-predicted variants have been reported in the literature in affected individuals with recessive inheritance (PMID: 33602924). Additionally, NMD-predicted variants are primarily classified as pathogenic/likely pathogenic in ClinVar with limited information, however in submissions that provided additional information; three entries (including an internal VCGS patient with a complex neurodevelopment phenotype) specified it was considered a single hit for the recessive condition, and another specified it was observed in an unaffected heterozygous individual for carrier testing. Additional information: This variant is heterozygous; This gene is associated with both recessive and dominant disease. Most cases reported are recessive and the genotype-phenotype correlation is unclear (PMIDs: 40583167, 33602924); This variant has no previous evidence of pathogenicity; No published evidence of segregation with disease has been identified for this variant; No published functional evidence has been identified for this variant; Loss of function is a known mechanism of disease in this gene and is associated with combined oxidative phosphorylation deficiency 55 (MIM#619743). Dominant negative has also been suggested as the mechanism of disease for an in-frame deletion variant (PMID: 33602924); Variants in this gene are known to have variable expressivity. Disease severity and age of onset are variable among reported patients (PMID: 33602924).

Literature cited by the submitters: PubMed 33602924; PubMed 40583167.